The following is an entry in ClinVar:

ClinVar aggregate classification (germline): Uncertain significance (1 of 4 stars; one submission).

Allele frequency attached by ClinVar (database versions not stated): gnomAD exomes below 0.00001 and 0.00001; ExAC 0.00001; gnomAD 0.00002 and 0.00003; TOPMed 0.00002; 1000 Genomes Project 0.00020; 1000 Genomes Project 30x 0.00031.

Submission:

Labcorp Genetics (formerly Invitae), Labcorp
Classification: Uncertain significance. Last evaluated: 2022-08-09. Review status: criteria provided, single submitter. Criteria: Invitae Variant Classification Sherloc (09022015). Collection method: clinical testing. Allele origin: germline.
Comment: This sequence change affects codon 1258 of the COL11A2 mRNA. It is a 'silent' change, meaning that it does not change the encoded amino acid sequence of the COL11A2 protein. This variant is present in population databases (rs558644599, gnomAD 0.005%). This variant has been observed in individual(s) with Stickler syndrome (PMID: 25240749). ClinVar contains an entry for this variant (Variation ID: 1504635). Algorithms developed to predict the effect of sequence changes on RNA splicing suggest that this variant may disrupt the consensus splice site. In summary, the available evidence is currently insufficient to determine the role of this variant in disease. Therefore, it has been classified as a Variant of Uncertain Significance.

Literature cited by the submitters: PubMed 25240749.

NM_080680.3(COL11A2):c.3774C>T (p.Gly1258=)

Gene: COL11A2 (collagen type XI alpha 2 chain; minus strand). Cytogenetic location: 6p21.32.
Variant type: single nucleotide variant.
Coding change: c.3774C>T on transcript NM_080680.3 (MANE Select); coding-DNA position 3774, C replaced by T.
Protein change: p.Gly1258=; no amino-acid change (glycine 1258 retained).
Molecular consequence: synonymous variant.
Genome position (GRCh38, 1-based): chr6:33,169,407, G>A on the plus strand (C>T on the coding strand, the complement: COL11A2 is on the minus strand). VCF-style: chr6-33169407-G-A. GRCh37 (hg19) VCF-style: chr6-33137184-G-A.
Other names: c.3453C>T, p.Gly1151= (NM_080679.3); c.3516C>T, p.Gly1172= (NM_080681.3).
Identifiers: ClinVar variation 1504635 (VCV001504635.3), dbSNP rs558644599, ClinGen allele CA3750379.